The following is an entry in ClinVar:

NM_001257291.2(SLC9A7):c.2173_2175del (p.Asn725del)

Gene: SLC9A7 (solute carrier family 9 member A7; minus strand). Cytogenetic location: Xp11.3.
Variant type: Deletion.
Coding change: c.2173_2175del on transcript NM_001257291.2 (MANE Select); coding-DNA positions 2173 to 2175, 3 bases deleted (AAT; older notation c.2173_2175delAAT).
Protein change: p.Asn725del; deletes asparagine 725.
Molecular consequence: inframe deletion.
Genome position (GRCh38, 1-based): chrX:46,606,958-46,606,960, ATT deleted on the plus strand (AAT on the coding strand, the reverse complement: SLC9A7 is on the minus strand); deleting any 3 consecutive bases within chrX:46,606,958-46,606,962 gives the same sequence; the c. name uses the placement nearest the transcript's 3' end. VCF-style (leftmost placement, unchanged base first): chrX-46606957-CATT-C. GRCh37 (hg19) VCF-style: chrX-46466392-CATT-C.
Other names: c.2173_2175del (NM_001257291.1); c.2170_2172del, p.Asn724del (NM_032591.3); short protein forms N725del, N724del.
Identifiers: ClinVar variation 2844093 (VCV002844093.4), dbSNP rs2519334158, ClinGen allele CA2739273488.
Genomic context (GRCh38, chrX:46,606,957, plus strand): 5'-GCTGTCCTCACCCCATCGGGAGCCTACCCCATCGCGCCAGGGCTTGGGGGGAAAGTCAAG[CATT>C]ATCTTCCAGGGGAAACACTAGGCGGGTGCCCCGGCTCGAAACCTTCTGGTCTCCCATTCC-3'

ClinVar aggregate classification (germline): Uncertain significance. Review status: criteria provided, multiple submitters, no conflicts (2 of 4 stars). 2 submissions from 2 submitters: Uncertain significance (2). Last evaluated 2024-09-23.

Submissions (2):

GeneDx
Classification: Uncertain significance. Last evaluated: 2024-09-23. Review status: criteria provided, single submitter. Criteria: GeneDx Variant Classification Process June 2021. Collection method: clinical testing. Allele origin: germline. Affected: yes.
Comment: Not observed at significant frequency in large population cohorts (gnomAD); In-frame deletion of 1 amino acid(s) in a non-repeat region; In silico analysis indicates that this variant does not alter protein structure/function; Has not been previously published as pathogenic or benign to our knowledge

Labcorp Genetics (formerly Invitae), Labcorp
Classification: Uncertain significance. Last evaluated: 2023-10-20. Review status: criteria provided, single submitter. Criteria: Invitae Variant Classification Sherloc (09022015). Collection method: clinical testing. Allele origin: germline.
Comment: This variant, c.2173_2175del, results in the deletion of 1 amino acid(s) of the SLC9A7 protein (p.Asn725del), but otherwise preserves the integrity of the reading frame. This variant is not present in population databases (gnomAD no frequency). This variant has not been reported in the literature in individuals affected with SLC9A7-related conditions. Experimental studies and prediction algorithms are not available or were not evaluated, and the functional significance of this variant is currently unknown. In summary, the available evidence is currently insufficient to determine the role of this variant in disease. Therefore, it has been classified as a Variant of Uncertain Significance.